The following is an entry in ClinVar:

NM_005566.4(LDHA):c.127-102T>G

Gene: LDHA (lactate dehydrogenase A; plus strand). Cytogenetic location: 11p15.1.
Variant type: single nucleotide variant.
Coding change: c.127-102T>G on transcript NM_005566.4 (MANE Select); 102 bases into the intron before coding-DNA position 127, T replaced by G.
Molecular consequence: intron variant.
Genome position (GRCh38, 1-based): chr11:18,399,329, T>G. VCF-style: chr11-18399329-T-G. GRCh37 (hg19) VCF-style: chr11-18420876-T-G.
Other names: c.127-102T>G (NM_001165416.2, NM_001135239.2, NM_001165415.2); c.214-102T>G (NM_001165414.2).
Identifiers: ClinVar variation 676251 (VCV000676251.2), dbSNP rs10832928, ClinGen allele CA13456639.

ClinVar aggregate classification (germline): Benign. Review status: criteria provided, multiple submitters, no conflicts (2 of 4 stars). 2 submissions from 2 submitters: Benign (2). Last evaluated 2018-06-14.

Allele frequency attached by ClinVar (database versions not stated): gnomAD exomes 0.09662; 1000 Genomes Project 0.11242; 1000 Genomes Project 30x 0.11571; gnomAD 0.14085 and 0.14782; TOPMed 0.14627.
gnomAD v4.1: 88,046 of 837,170 alleles (11%); highest among the groups gnomAD compares: African/African-American, 26%; 6,017 homozygotes.

Submissions (2):

GeneDx
Classification: Benign. Last evaluated: 2018-06-14. Review status: criteria provided, single submitter. Criteria: GeneDx Variant Classification (06012015). Collection method: clinical testing. Allele origin: germline. Affected: yes.
Comment: This variant is considered likely benign or benign based on one or more of the following criteria: it is a conservative change, it occurs at a poorly conserved position in the protein, it is predicted to be benign by multiple in silico algorithms, and/or has population frequency not consistent with disease.

Breakthrough Genomics
Classification: Benign. Review status: criteria provided, single submitter. Criteria: ACMG Guidelines, 2015. Collection method: not provided. Allele origin: germline. Inheritance: Autosomal recessive inheritance. Affected: yes.